The following is an entry in ClinVar:

ClinVar aggregate classification (germline): Likely pathogenic (1 of 4 stars; one submission).

Conditions:
Vissers-Bodmer syndrome. Identifiers: MedGen C5436647, MONDO:0033618, OMIM 619033.

Submission:

MGZ Medical Genetics Center
Classification: Likely pathogenic for Vissers-Bodmer syndrome. Last evaluated: 2021-12-06. Review status: criteria provided, single submitter. Criteria: ACMG Guidelines, 2015. Collection method: clinical testing. Allele origin: germline. Affected: yes. Observed: 1 variant allele.
Comment: ACMG criteria applied: PS2, PS4_MOD, PM2_SUP, PP3

NM_016284.5(CNOT1):c.3750+5G>A

Gene: CNOT1 (CCR4-NOT transcription complex subunit 1; minus strand). Cytogenetic location: 16q21.
Variant type: single nucleotide variant.
Coding change: c.3750+5G>A on transcript NM_016284.5 (MANE Select); 5 bases into the intron after coding-DNA position 3750, G replaced by A.
Molecular consequence: intron variant.
Genome position (GRCh38, 1-based): chr16:58,547,181, C>T on the plus strand (G>A on the coding strand, the complement: CNOT1 is on the minus strand). VCF-style: chr16-58547181-C-T. GRCh37 (hg19) VCF-style: chr16-58581085-C-T.
Other names: c.3735+5G>A (NM_001265612.2); c.3750+5G>A (NM_206999.3).
Identifiers: ClinVar variation 1709232 (VCV001709232.2), dbSNP rs2543916472, ClinGen allele CA2580091748.
Genomic context (GRCh38, chr16:58,547,181, plus strand): 5'-ACCTCATGCTAAAACAAAGCAATGCTTAGAAATTAGTCATAAATAAAATATTAAAATCTA[C>T]TCACCACACTACGAATGCTAGATTCTAAGACTTTGGCAACAAAGGGCACTACATAGAGCA-3'